The following is an entry in ClinVar:

ClinVar aggregate classification (germline): Uncertain significance. Review status: criteria provided, multiple submitters, no conflicts (2 of 4 stars). 4 submissions from 4 submitters: Uncertain significance (3). 1 of the submissions does not count toward it. Last evaluated 2025-11-12.

Conditions:
Retinal dystrophy. Also called: Inherited retinal dystrophy. Identifiers: Orphanet 71862, MedGen C0854723, MeSH D058499, MONDO:0019118, HP:0000556.

Allele frequency attached by ClinVar (database versions not stated): ExAC 0.00002; gnomAD exomes 0.00002 and 0.00004; gnomAD 0.00004; TOPMed 0.00005.

Submissions (4):

Ambry Genetics
Classification: Uncertain significance. Last evaluated: 2025-11-12. Review status: criteria provided, single submitter. Criteria: Ambry Variant Classification Scheme 2023. Collection method: clinical testing. Allele origin: germline.

Labcorp Genetics (formerly Invitae), Labcorp
Classification: Uncertain significance. Last evaluated: 2025-07-31. Review status: criteria provided, single submitter. Criteria: Invitae Variant Classification Sherloc (09022015). Collection method: clinical testing. Allele origin: germline.
Comment: This sequence change replaces methionine, which is neutral and non-polar, with valine, which is neutral and non-polar, at codon 198 of the SEMA4A protein (p.Met198Val). This variant is present in population databases (rs754739313, gnomAD 0.009%). This variant has not been reported in the literature in individuals affected with SEMA4A-related conditions. ClinVar contains an entry for this variant (Variation ID: 863967). Invitae Evidence Modeling of protein sequence and biophysical properties (such as structural, functional, and spatial information, amino acid conservation, physicochemical variation, residue mobility, and thermodynamic stability) indicates that this missense variant is not expected to disrupt SEMA4A protein function with a negative predictive value of 80%. In summary, the available evidence is currently insufficient to determine the role of this variant in disease. Therefore, it has been classified as a Variant of Uncertain Significance.

Blueprint Genetics
Classification: Uncertain significance. Last evaluated: 2024-09-23. Review status: criteria provided, single submitter. Criteria: ACMG Guidelines, 2015. Collection method: clinical testing. Allele origin: germline.

Institute of Human Genetics, Univ. Regensburg, Univ. Regensburg
Classification: Uncertain significance for Retinal dystrophy. Last evaluated: 2012-01-01. Review status: no assertion criteria provided. Criteria: ACMG Guidelines, 2015. Collection method: clinical testing. Allele origin: germline. Affected: yes. Not counted in ClinVar's aggregate classification.

NM_022367.4(SEMA4A):c.592A>G (p.Met198Val)

Gene: SEMA4A (semaphorin 4A; plus strand). Cytogenetic location: 1q22.
Variant type: single nucleotide variant.
Coding change: c.592A>G on transcript NM_022367.4 (MANE Select); coding-DNA position 592, A replaced by G.
Protein change: p.Met198Val; replaces methionine 198 with valine.
Molecular consequence: missense variant.
Genome position (GRCh38, 1-based): chr1:156,160,466, A>G. VCF-style: chr1-156160466-A-G. GRCh37 (hg19) VCF-style: chr1-156130257-A-G.
Other names: c.592A>G, p.Met198Val (NM_001193300.2, NM_001193301.2, NM_001370567.1); c.196A>G, p.Met66Val (NM_001193302.2); c.295A>G, p.Met99Val (NM_001370568.1); c.85A>G, p.Met29Val (NM_001370569.1, NM_001370571.1); short protein forms M66V, M198V, M99V, M29V.
Identifiers: ClinVar variation 863967 (VCV000863967.12), dbSNP rs754739313, ClinGen allele CA1155095.